The following is an entry in ClinVar:

ClinVar aggregate classification (germline): Benign/Likely benign. Review status: criteria provided, multiple submitters, no conflicts (2 of 4 stars). 4 submissions from 4 submitters: Benign (2); Likely benign (1). 1 of the submissions does not count toward it. Last evaluated 2026-01-26.

Conditions:
MTOR-related disorder. Also called: MTOR-related condition.

Allele frequency attached by ClinVar (database versions not stated): ESP Exome Variant Server 0.00154; gnomAD exomes 0.00007 and 0.00022; ExAC 0.00030; 1000 Genomes Project 0.00060; 1000 Genomes Project 30x 0.00094; TOPMed 0.00104; gnomAD 0.00105 and 0.00111.
gnomAD v4.1: 267 of 1,613,754 alleles (0.017%); highest among the groups gnomAD compares: African/African-American, 0.33%; 2 homozygotes.

Submissions (4):

Labcorp Genetics (formerly Invitae), Labcorp
Classification: Benign. Last evaluated: 2026-01-26. Review status: criteria provided, single submitter. Criteria: Invitae Variant Classification Sherloc (09022015). Collection method: clinical testing. Allele origin: germline.

Blueprint Genetics
Classification: Likely benign. Last evaluated: 2024-11-25. Review status: criteria provided, single submitter. Criteria: ACMG Guidelines, 2015. Collection method: clinical testing. Allele origin: germline.

GeneDx
Classification: Benign. Last evaluated: 2020-11-06. Review status: criteria provided, single submitter. Criteria: GeneDx Variant Classification Process June 2021. Collection method: clinical testing. Allele origin: germline. Affected: yes.

PreventionGenetics, part of Exact Sciences
Classification: Likely benign for MTOR-related condition. Last evaluated: 2021-04-14. Review status: no assertion criteria provided. Collection method: clinical testing. Allele origin: germline. Not counted in ClinVar's aggregate classification.
Comment: This variant is classified as likely benign based on ACMG/AMP sequence variant interpretation guidelines (Richards et al. 2015 PMID: 25741868, with internal and published modifications).

NM_004958.4(MTOR):c.7089+9A>G

Gene: MTOR (mechanistic target of rapamycin kinase; minus strand). Cytogenetic location: 1p36.22.
Variant type: single nucleotide variant.
Coding change: c.7089+9A>G on transcript NM_004958.4 (MANE Select); 9 bases into the intron after coding-DNA position 7089, A replaced by G.
Molecular consequence: intron variant.
Genome position (GRCh38, 1-based): chr1:11,115,387, T>C on the plus strand (A>G on the coding strand, the complement: MTOR is on the minus strand). VCF-style: chr1-11115387-T-C. GRCh37 (hg19) VCF-style: chr1-11175444-T-C.
Identifiers: ClinVar variation 696753 (VCV000696753.16), dbSNP rs185470535, ClinGen allele CA588941.
Genomic context (GRCh38, chr1:11,115,387, plus strand): 5'-CAGTGTCAGAGGAGGGGGAAAAGTGATCACCCGGGAAGATGAGGTTGGGGTTCTAGAACA[T>C]GTGTTCACCTCAAAGCAGTCCCCAAAGTCAATGTGCAGGATCTTCCCACTCAGACGGTCC-3'